The following is an entry in ClinVar:

ClinVar aggregate classification (germline): Uncertain significance (1 of 4 stars; one submission).

Submission:

Ambry Genetics
Classification: Uncertain significance. Last evaluated: 2024-03-06. Review status: criteria provided, single submitter. Criteria: Ambry Variant Classification Scheme 2023. Collection method: clinical testing. Allele origin: germline.
Comment: The p.N1147S variant (also known as c.3440A>G), located in coding exon 3 of the MLH3 gene, results from an A to G substitution at nucleotide position 3440. The asparagine at codon 1147 is replaced by serine, an amino acid with highly similar properties. This amino acid position is conserved. In addition, the in silico prediction for this alteration is inconclusive. Based on the available evidence, the clinical significance of this alteration remains unclear.

NM_001040108.2(MLH3):c.3440A>G (p.Asn1147Ser)

Gene: MLH3 (mutL homolog 3; minus strand). Cytogenetic location: 14q24.3.
Variant type: single nucleotide variant.
Coding change: c.3440A>G on transcript NM_001040108.2 (MANE Select); coding-DNA position 3440, A replaced by G.
Protein change: p.Asn1147Ser; replaces asparagine 1147 with serine.
Molecular consequence: missense variant.
Genome position (GRCh38, 1-based): chr14:75,041,640, T>C on the plus strand (A>G on the coding strand, the complement: MLH3 is on the minus strand). VCF-style: chr14-75041640-T-C. GRCh37 (hg19) VCF-style: chr14-75508343-T-C.
Other names: c.3440A>G, p.Asn1147Ser (NM_014381.3); short protein forms N1147S.
Identifiers: ClinVar variation 3232542 (VCV003232542.1), dbSNP rs142124529, ClinGen allele CA390430608.